The following is an entry in ClinVar:

NM_004360.5(CDH1):c.1186C>A (p.Leu396Met)

Gene: CDH1 (cadherin 1; plus strand). Cytogenetic location: 16q22.1.
Variant type: single nucleotide variant.
Coding change: c.1186C>A on transcript NM_004360.5 (MANE Select); coding-DNA position 1186, C replaced by A.
Protein change: p.Leu396Met; replaces leucine 396 with methionine.
Molecular consequence: missense variant. On other transcripts: 5 prime UTR variant (2), intron variant (1).
Genome position (GRCh38, 1-based): chr16:68,813,361, C>A. VCF-style: chr16-68813361-C-A. GRCh37 (hg19) VCF-style: chr16-68847264-C-A.
Other names: c.-430C>A (NM_001317185.2); c.-634C>A (NM_001317186.2); c.1137+1098C>A (NM_001317184.2); short protein forms L396M.
Identifiers: ClinVar variation 958800 (VCV000958800.10), dbSNP rs1597895834, ClinGen allele CA396461215.
Genomic context (GRCh38, chr16:68,813,361, plus strand): 5'-TTTGCTCTGCAGTACAAGGGTCAGGTGCCTGAGAACGAGGCTAACGTCGTAATCACCACA[C>A]TGAAAGTGACTGATGCTGATGCCCCCAATACCCCAGCGTGGGAGGCTGTATACACCATAT-3'
Protein context (NP_004351.1, residues 386-406): ENEANVVITT[Leu396Met]KVTDADAPNT

ClinVar aggregate classification (germline): Uncertain significance (1 of 4 stars; one submission).

Conditions:
Hereditary diffuse gastric adenocarcinoma (HDGC). Also called: DIFFUSE GASTRIC AND LOBULAR BREAST CANCER SYNDROME. Identifiers: Orphanet 26106, MedGen C1708349, MONDO:0007648, OMIM 137215.

Allele frequency attached by ClinVar (database versions not stated): gnomAD exomes below 0.00001.
gnomAD v4.1: 1 of 1,614,194 alleles (0.000062%); highest among the groups gnomAD compares: African/African-American, 0.0013%; no homozygotes.

Submission:

Labcorp Genetics (formerly Invitae), Labcorp
Classification: Uncertain significance for Hereditary diffuse gastric adenocarcinoma. Last evaluated: 2019-07-31. Review status: criteria provided, single submitter. Criteria: Invitae Variant Classification Sherloc (09022015). Collection method: clinical testing. Allele origin: germline.
Comment: This variant is not present in population databases (ExAC no frequency). This sequence change replaces leucine with methionine at codon 396 of the CDH1 protein (p.Leu396Met). The leucine residue is highly conserved and there is a small physicochemical difference between leucine and methionine. This variant has not been reported in the literature in individuals with CDH1-related conditions. In summary, the available evidence is currently insufficient to determine the role of this variant in disease. Therefore, it has been classified as a Variant of Uncertain Significance. Algorithms developed to predict the effect of missense changes on protein structure and function are either unavailable or do not agree on the potential impact of this missense change (SIFT: "Tolerated"; PolyPhen-2: "Probably Damaging"; Align-GVGD: "Class C0").